The following is an entry in ClinVar:

NM_004656.4(BAP1):c.659+5G>A

Gene: BAP1 (BRCA1 associated deubiquitinase 1; minus strand). Cytogenetic location: 3p21.1.
Variant type: single nucleotide variant.
Coding change: c.659+5G>A on transcript NM_004656.4 (MANE Select); 5 bases into the intron after coding-DNA position 659, G replaced by A.
Molecular consequence: intron variant.
Genome position (GRCh38, 1-based): chr3:52,406,824, C>T on the plus strand (G>A on the coding strand, the complement: BAP1 is on the minus strand). VCF-style: chr3-52406824-C-T. GRCh37 (hg19) VCF-style: chr3-52440840-C-T.
Identifiers: ClinVar variation 963448 (VCV000963448.7), dbSNP rs1705173081, ClinGen allele CA1139658122.

ClinVar aggregate classification (germline): Uncertain significance (1 of 4 stars; one submission).

Conditions:
BAP1-related tumor predisposition syndrome (TPDS1). Also called: BAP1 tumor predisposition syndrome; COMMON Syndrome; TUMOR PREDISPOSITION SYNDROME 1; Tumor susceptibility linked to germline BAP1 mutations. Identifiers: Orphanet 289539, MedGen C3280492, MONDO:0013692, OMIM 614327.

Submission:

Labcorp Genetics (formerly Invitae), Labcorp
Classification: Uncertain significance for BAP1-related tumor predisposition syndrome. Last evaluated: 2019-09-21. Review status: criteria provided, single submitter. Criteria: Invitae Variant Classification Sherloc (09022015). Collection method: clinical testing. Allele origin: germline.
Comment: In summary, the available evidence is currently insufficient to determine the role of this variant in disease. Therefore, it has been classified as a Variant of Uncertain Significance. Nucleotide substitutions within the consensus splice site are a relatively common cause of aberrant splicing (PMID: 17576681, 9536098). Algorithms developed to predict the effect of sequence changes on RNA splicing suggest that this variant may disrupt the consensus splice site, but this prediction has not been confirmed by published transcriptional studies. This sequence change falls in intron 8 of the BAP1 gene. It does not directly change the encoded amino acid sequence of the BAP1 protein, but it affects a nucleotide within the consensus splice site of the intron. This variant is not present in population databases (ExAC no frequency). This variant has not been reported in the literature in individuals with BAP1-related conditions.

Literature cited by the submitters: PubMed 17576681; PubMed 9536098.